The following is an entry in ClinVar:

ClinVar aggregate classification (germline): Uncertain significance (1 of 4 stars; one submission).

Conditions:
Joubert syndrome. Also called: CEREBELLOPARENCHYMAL DISORDER IV; JOUBERT-BOLTSHAUSER SYNDROME; Familial aplasia of the vermis. Identifiers: Orphanet 475, MedGen C5979921, MONDO:0018772.
Nephronophthisis. Also called: Juvenile Nephronophthisis. Identifiers: Orphanet 655, MedGen C0687120, MONDO:0019005, HP:0000090.
Meckel-Gruber syndrome. Also called: DYSENCEPHALIA SPLANCHNOCYSTICA; GRUBER SYNDROME; Dysencephalia splachnocystica. Identifiers: Orphanet 564, MedGen C0265215, MONDO:0018921.

Submission:

Labcorp Genetics (formerly Invitae), Labcorp
Classification: Uncertain significance for Joubert syndrome; Meckel-Gruber syndrome; Nephronophthisis. Last evaluated: 2025-01-06. Review status: criteria provided, single submitter. Criteria: Invitae Variant Classification Sherloc (09022015). Collection method: clinical testing. Allele origin: germline.
Comment: This sequence change replaces alanine, which is neutral and non-polar, with aspartic acid, which is acidic and polar, at codon 423 of the CEP290 protein (p.Ala423Asp). This variant is not present in population databases (gnomAD no frequency). This variant has not been reported in the literature in individuals affected with CEP290-related conditions. ClinVar contains an entry for this variant (Variation ID: 2040601). Invitae Evidence Modeling of protein sequence and biophysical properties (such as structural, functional, and spatial information, amino acid conservation, physicochemical variation, residue mobility, and thermodynamic stability) has been performed for this missense variant. However, the output from this modeling did not meet the statistical confidence thresholds required to predict the impact of this variant on CEP290 protein function. In summary, the available evidence is currently insufficient to determine the role of this variant in disease. Therefore, it has been classified as a Variant of Uncertain Significance.

NM_025114.4(CEP290):c.1268C>A (p.Ala423Asp)

Gene: CEP290 (centrosomal protein 290; minus strand). Cytogenetic location: 12q21.32.
Variant type: single nucleotide variant.
Coding change: c.1268C>A on transcript NM_025114.4 (MANE Select); coding-DNA position 1268, C replaced by A.
Protein change: p.Ala423Asp; replaces alanine 423 with aspartic acid.
Molecular consequence: missense variant.
Genome position (GRCh38, 1-based): chr12:88,121,088, G>T on the plus strand (C>A on the coding strand, the complement: CEP290 is on the minus strand). VCF-style: chr12-88121088-G-T. GRCh37 (hg19) VCF-style: chr12-88514865-G-T.
Other names: short protein forms A423D.
Identifiers: ClinVar variation 2040601 (VCV002040601.4), dbSNP rs2501094071, ClinGen allele CA385980648.